The following is an entry in ClinVar:

ClinVar aggregate classification (germline): Likely benign. Review status: criteria provided, multiple submitters, no conflicts (2 of 4 stars). 4 submissions from 4 submitters: Likely benign (3). 1 of the submissions does not count toward it. Last evaluated 2026-05-01.

Conditions:
MYO18B-related disorder. Also called: MYO18B-related condition.

Allele frequency attached by ClinVar (database versions not stated): gnomAD 0.00012 and 0.00016; gnomAD exomes 0.00016; TOPMed 0.00020; ExAC 0.00022; ESP Exome Variant Server 0.00025.
gnomAD v4.1: 267 of 1,594,280 alleles (0.017%); highest among the groups gnomAD compares: Non-Finnish European, 0.021%; no homozygotes.

Submissions (4):

CeGaT Center for Human Genetics Tuebingen
Classification: Likely benign. Last evaluated: 2026-05-01. Review status: criteria provided, single submitter. Criteria: CeGaT Center For Human Genetics Tuebingen Variant Classification Criteria Version 2. Collection method: clinical testing. Allele origin: germline. Affected: yes. Observed: 1 variant allele.
Comment: MYO18B: BP4, BP7

Labcorp Genetics (formerly Invitae), Labcorp
Classification: Likely benign. Last evaluated: 2026-01-01. Review status: criteria provided, single submitter. Criteria: Invitae Variant Classification Sherloc (09022015). Collection method: clinical testing. Allele origin: germline.

Blueprint Genetics
Classification: Likely benign. Last evaluated: 2024-11-07. Review status: criteria provided, single submitter. Criteria: ACMG Guidelines, 2015. Collection method: clinical testing. Allele origin: germline.

PreventionGenetics, part of Exact Sciences
Classification: Likely benign for MYO18B-related condition. Last evaluated: 2019-04-05. Review status: no assertion criteria provided. Collection method: clinical testing. Allele origin: germline. Not counted in ClinVar's aggregate classification.
Comment: This variant is classified as likely benign based on ACMG/AMP sequence variant interpretation guidelines (Richards et al. 2015 PMID: 25741868, with internal and published modifications).

NM_032608.7(MYO18B):c.6885C>T (p.Gly2295=)

Gene: MYO18B (myosin XVIIIB; plus strand). Cytogenetic location: 22q12.1.
Variant type: single nucleotide variant.
Coding change: c.6885C>T on transcript NM_032608.7 (MANE Select); coding-DNA position 6885, C replaced by T.
Protein change: p.Gly2295=; no amino-acid change (glycine 2295 retained).
Molecular consequence: synonymous variant.
Genome position (GRCh38, 1-based): chr22:26,026,859, C>T. VCF-style: chr22-26026859-C-T. GRCh37 (hg19) VCF-style: chr22-26422825-C-T.
Other names: c.6888C>T, p.Gly2296= (NM_001318245.2).
Identifiers: ClinVar variation 709707 (VCV000709707.13), dbSNP rs369894760, ClinGen allele CA10161638.